The following is an entry in ClinVar:

ClinVar aggregate classification (germline): Uncertain significance (1 of 4 stars; one submission).

Submission:

Mayo Clinic Laboratories, Mayo Clinic
Classification: Uncertain significance. Last evaluated: 2025-03-21. Review status: criteria provided, single submitter. Criteria: ACMG Guidelines, 2015. Collection method: clinical testing. Allele origin: germline. Observed: 1 variant allele.
Comment: PM2_supporting

NM_001382567.1(STIM1):c.619C>A (p.Arg207Ser)

Gene: STIM1 (stromal interaction molecule 1; plus strand). Cytogenetic location: 11p15.4.
Variant type: single nucleotide variant.
Coding change: c.619C>A on transcript NM_001382567.1 (MANE Select); coding-DNA position 619, C replaced by A.
Protein change: p.Arg207Ser; replaces arginine 207 with serine.
Molecular consequence: missense variant. On other transcripts: non-coding transcript variant (2).
Genome position (GRCh38, 1-based): chr11:4,070,031, C>A. VCF-style: chr11-4070031-C-A. GRCh37 (hg19) VCF-style: chr11-4091261-C-A.
Other names: p.Arg207Ser; c.619C>A, p.Arg207Ser (NM_001277961.3, NM_001277962.2, NM_001382568.1 and 2 more transcripts); c.397C>A, p.Arg133Ser (NM_001382566.1, NM_001382573.1, NM_001382574.1 and 5 more transcripts); c.484C>A, p.Arg162Ser (NM_001382569.1); c.391C>A, p.Arg131Ser (NM_001382570.1); c.139C>A, p.Arg47Ser (NM_001382571.1); c.130C>A, p.Arg44Ser (NM_001382580.1, NM_001382581.1); short protein forms R133S, R44S, R162S, R47S, R131S, R207S.
Identifiers: ClinVar variation 4541604 (VCV004541604.1).